The following is an entry in ClinVar:

ClinVar aggregate classification (germline): Uncertain significance (1 of 4 stars; one submission).

Conditions:
Developmental and epileptic encephalopathy, 36 (DEE36). Also called: Epileptic encephalopathy, early infantile, 36; Congenital disorder of glycosylation, type Is; ALG13-CDG. Identifiers: Orphanet 324422, MedGen C4317295, MONDO:0010472, OMIM 300884.

Submission:

Labcorp Genetics (formerly Invitae), Labcorp
Classification: Uncertain significance for Developmental and epileptic encephalopathy, 36. Last evaluated: 2022-04-22. Review status: criteria provided, single submitter. Criteria: Invitae Variant Classification Sherloc (09022015). Collection method: clinical testing. Allele origin: germline.
Comment: This sequence change replaces glutamic acid, which is acidic and polar, with aspartic acid, which is acidic and polar, at codon 439 of the ALG13 protein (p.Glu439Asp). This variant is not present in population databases (gnomAD no frequency). This variant has not been reported in the literature in individuals affected with ALG13-related conditions. Algorithms developed to predict the effect of missense changes on protein structure and function output the following: SIFT: "Tolerated"; PolyPhen-2: "Benign"; Align-GVGD: "Class C0". The aspartic acid amino acid residue is found in multiple mammalian species, which suggests that this missense change does not adversely affect protein function. In summary, the available evidence is currently insufficient to determine the role of this variant in disease. Therefore, it has been classified as a Variant of Uncertain Significance.

NM_001099922.3(ALG13):c.1317A>C (p.Glu439Asp)

Gene: ALG13 (ALG13 UDP-N-acetylglucosaminyltransferase subunit; plus strand). Cytogenetic location: Xq23.
Variant type: single nucleotide variant.
Coding change: c.1317A>C on transcript NM_001099922.3 (MANE Select); coding-DNA position 1317, A replaced by C.
Protein change: p.Glu439Asp; replaces glutamic acid 439 with aspartic acid.
Molecular consequence: missense variant. On other transcripts: non-coding transcript variant (1).
Genome position (GRCh38, 1-based): chrX:111,720,161, A>C. VCF-style: chrX-111720161-A-C. GRCh37 (hg19) VCF-style: chrX-110963389-A-C.
Other names: c.1005A>C, p.Glu335Asp (NM_001257230.2, NM_001257234.2, NM_001257237.2 and 1 more transcripts); c.1083A>C, p.Glu361Asp (NM_001257231.2); c.1317A>C, p.Glu439Asp (NM_001324292.2); short protein forms E335D, E439D, E361D.
Identifiers: ClinVar variation 2117285 (VCV002117285.4), dbSNP rs2525785819, ClinGen allele CA414251385.
Genomic context (GRCh38, chrX:111,720,161, plus strand): 5'-AGAGTGGGGTGCCTGCTACAATGCTGAAAATATACCAGAGGGCTACAATAAAGGAACAGA[A>C]GAAACAAAGGTTTGATATTTTCTAAGGCAAAGAATTTTCATAGTCTTGGCTTGCAGCATC-3'
Protein context (NP_001093392.1, residues 429-449): NIPEGYNKGT[Glu439Asp]ETKSPENPSK